The following is an entry in ClinVar:

NM_004385.5(VCAN):c.221A>G (p.Asn74Ser)

Gene: VCAN (versican; plus strand). Cytogenetic location: 5q14.2.
Variant type: single nucleotide variant.
Coding change: c.221A>G on transcript NM_004385.5 (MANE Select); coding-DNA position 221, A replaced by G.
Protein change: p.Asn74Ser; replaces asparagine 74 with serine.
Molecular consequence: missense variant.
Genome position (GRCh38, 1-based): chr5:83,490,248, A>G. VCF-style: chr5-83490248-A-G. GRCh37 (hg19) VCF-style: chr5-82786067-A-G.
Other names: c.221A>G, p.Asn74Ser (NM_001126336.3, NM_001164097.2, NM_001164098.2); short protein forms N74S.
Identifiers: ClinVar variation 848210 (VCV000848210.35), dbSNP rs144766017, ClinGen allele CA3332415.

ClinVar aggregate classification (germline): Conflicting classifications of pathogenicity. Review status: criteria provided, conflicting classifications (1 of 4 stars). 5 submissions from 4 submitters: Uncertain significance (1); Benign (2); Likely benign (2). Last evaluated 2025-11-28.

Conditions:
Vitreoretinopathy. Also called: Vitreoretinal degeneration. Identifiers: MedGen C0344290, MONDO:0020248, HP:0007773.
Wagner disease. Also called: WAGNER VITREORETINAL DEGENERATION; WAGNER SYNDROME 1; Wagner syndrome; Wagner Vitreoretinal Degeneration (Wagner Synrdome); HYALOIDEORETINAL DEGENERATION OF WAGNER; WAGNER VITREORETINOPATHY. Identifiers: Orphanet 898, MedGen C1840452, MONDO:0007740, OMIM 143200.

Allele frequency attached by ClinVar (database versions not stated): gnomAD 0.00015 and 0.00016; gnomAD exomes 0.00015 and 0.00027; ExAC 0.00017; TOPMed 0.00019; ESP Exome Variant Server 0.00046.
gnomAD v4.1: 417 of 1,614,052 alleles (0.026%); highest among the groups gnomAD compares: Non-Finnish European, 0.033%; 1 homozygote.

Submissions (5):

Labcorp Genetics (formerly Invitae), Labcorp
Classification: Uncertain significance. Last evaluated: 2025-11-28. Review status: criteria provided, single submitter. Criteria: Invitae Variant Classification Sherloc (09022015). Collection method: clinical testing. Allele origin: germline.
Comment: This sequence change replaces asparagine, which is neutral and polar, with serine, which is neutral and polar, at codon 74 of the VCAN protein (p.Asn74Ser). This variant is present in population databases (rs144766017, gnomAD 0.03%), and has an allele count higher than expected for a pathogenic variant. This variant has not been reported in the literature in individuals affected with VCAN-related conditions. ClinVar contains an entry for this variant (Variation ID: 848210). An algorithm developed to predict the effect of missense changes on protein structure and function outputs the following: PolyPhen-2: "Benign". The serine amino acid residue is found in multiple mammalian species, which suggests that this missense change does not adversely affect protein function. In summary, the available evidence is currently insufficient to determine the role of this variant in disease. Therefore, it has been classified as a Variant of Uncertain Significance.

Blueprint Genetics
Classification: Likely benign. Last evaluated: 2024-10-18. Review status: criteria provided, single submitter. Criteria: ACMG Guidelines, 2015. Collection method: clinical testing. Allele origin: germline.

CeGaT Center for Human Genetics Tuebingen
Classification: Likely benign. Last evaluated: 2023-11-01. Review status: criteria provided, single submitter. Criteria: CeGaT Center For Human Genetics Tuebingen Variant Classification Criteria Version 2. Collection method: clinical testing. Allele origin: germline. Affected: yes. Observed: 1 variant allele.
Comment: VCAN: BP4, BS2

Illumina Laboratory Services, Illumina
Classification: Benign for Wagner disease. Last evaluated: 2018-01-13. Review status: criteria provided, single submitter. Criteria: ICSL Variant Classification Criteria 13 December 2019. Collection method: clinical testing. Allele origin: germline.
Comment: This variant was observed in the ICSL laboratory as part of a predisposition screen in an ostensibly healthy population. It had not been previously curated by ICSL or reported in the Human Gene Mutation Database (HGMD: prior to June 1st, 2018), and was therefore a candidate for classification through an automated scoring system. Utilizing variant allele frequency, disease prevalence and penetrance estimates, and inheritance mode, an automated score was calculated to assess if this variant is too frequent to cause the disease. Based on the score and internal cut-off values, a variant classified as benign is not then subjected to further curation. The score for this variant resulted in a classification of benign for this disease.

Illumina Laboratory Services, Illumina
Classification: Benign for Vitreoretinopathy. Last evaluated: 2018-01-13. Review status: criteria provided, single submitter. Criteria: ICSL Variant Classification Criteria 13 December 2019. Collection method: clinical testing. Allele origin: germline.
Comment: the same text as in the submission from Illumina Laboratory Services, Illumina above.